The following is an entry in ClinVar:

NC_000012.11:g.(?_133195403)_(133196525_?)dup

Gene: P2RX2 (purinergic receptor P2X 2; plus strand). Cytogenetic location: 12q24.33.
Variant type: Duplication.
Identifiers: ClinVar variation 2427519 (VCV002427519.3).

ClinVar aggregate classification (germline): Uncertain significance (1 of 4 stars; one submission).

Submission:

Labcorp Genetics (formerly Invitae), Labcorp
Classification: Uncertain significance. Last evaluated: 2022-09-07. Review status: criteria provided, single submitter. Criteria: Invitae Variant Classification Sherloc (09022015). Collection method: clinical testing. Allele origin: germline.
Comment: In summary, the available evidence is currently insufficient to determine the role of this variant in disease. Therefore, it has been classified as a Variant of Uncertain Significance. Experimental studies and prediction algorithms are not available or were not evaluated, and the functional significance of this variant is currently unknown. This variant has not been reported in the literature in individuals affected with P2RX2-related conditions. This variant results in a copy number gain of the genomic region encompassing exon(s) 1-4 of the P2RX2 gene. This region includes the initiator codon of the gene. This copy number gain extends beyond the assayed region for this gene and therefore may encompass additional genes. As the precise location of this event is unknown, it may be in tandem or it may be located elsewhere in the genome.